The following is an entry in ClinVar:

ClinVar aggregate classification (germline): Likely pathogenic (1 of 4 stars; one submission).

Conditions:
Diamond-Blackfan anemia 4 (DBA4). Also called: RPS17-Related Diamond-Blackfan Anemia. Identifiers: Orphanet 124, MedGen C2675860, MONDO:0012924, OMIM 612527.

Submission:

Pediatric Oncology and Hematology Unit, National and Kapodistrian University of Athens
Classification: Likely pathogenic for Diamond-Blackfan anemia 4. Last evaluated: 2022-12-16. Review status: criteria provided, single submitter. Criteria: ACMG Guidelines, 2015. Collection method: clinical testing. Allele origin: de novo. Inheritance: Autosomal dominant inheritance. Affected: yes. Observed: 1 heterozygote.
Comment: Additionally, family segregation analysis showed that the variant is de novo. The variant is expected to disrupt normal splicing. In summary, this variant meets our criteria to be classified as likely pathogenic, based on the segregation study, absence from controls, and possible aberrant splicing.

NM_001021.6(RPS17):c.156-1G>A

Gene: RPS17 (ribosomal protein S17; minus strand). Cytogenetic location: 15q25.2.
Variant type: single nucleotide variant.
Coding change: c.156-1G>A on transcript NM_001021.6 (MANE Select); the canonical splice acceptor site of the intron before coding-DNA position 156, G replaced by A.
Molecular consequence: splice acceptor variant.
Genome position (GRCh38, 1-based): chr15:82,538,986, C>T on the plus strand (G>A on the coding strand, the complement: RPS17 is on the minus strand). VCF-style: chr15-82538986-C-T. GRCh37 (hg19) VCF-style: chr15-82823394-C-T.
Identifiers: ClinVar variation 2428499 (VCV002428499.6), dbSNP rs2548305568, ClinGen allele CA393409044.
Genomic context (GRCh38, chr15:82,538,986, plus strand): 5'-TTGATGGAGATACCTCTTACTGGGCCTCTCTGAATTCGCTTCATCAGATGCGTGACATAA[C>T]TACAAAGCACACACAGCCAAAGAGAACAGTGAGAAGACAAATCAACTCCCACCTGGTACT-3'